The following is an entry in ClinVar:

ClinVar aggregate classification (germline): Likely pathogenic. Review status: criteria provided, multiple submitters, no conflicts (2 of 4 stars). 2 submissions from 2 submitters: Likely pathogenic (2). Last evaluated 2026-07-15.

Conditions:
Developmental and epileptic encephalopathy 97 (DEE97). Identifiers: MedGen C5561999, MONDO:0030453, OMIM 619561.

Submissions (2):

GeneDx
Classification: Likely pathogenic. Last evaluated: 2026-07-15. Review status: criteria provided, single submitter. Criteria: GeneDx Variant Classification Process June 2021. Collection method: clinical testing. Allele origin: germline.
Comment: In silico analysis supports that this missense variant has a deleterious effect on protein structure/function; Not observed at significant frequency in large population cohorts (gnomAD); This variant is associated with the following publications: (PMID: 34107259)

3billion
Classification: Likely pathogenic for Developmental and epileptic encephalopathy 97. Last evaluated: 2025-09-17. Review status: criteria provided, single submitter. Criteria: ACMG Guidelines, 2015. Collection method: clinical testing. Allele origin: germline. Affected: yes.
Comment: The variant is observed at an extremely low frequency in the gnomAD v4.1.0 dataset (total allele frequency: <0.001%). Predicted Consequence/Location: Missense variant In silico tool predictions suggest damaging effect of the variant on gene or gene product [3Cnet: 0.92 (> 0.75, sensitivity 0.96 and precision 0.92)]. The same nucleotide change resulting in the same amino acid change has been previously reported to be associated with CELF2-related disorder (PMID: 34107259). The variant has been previously reported as de novo in a similarly affected individual (PMID: 34107259). Therefore, this variant is classified as Likely pathogenic according to the recommendation of ACMG/AMP guideline.

Literature cited by the submitters: PubMed 34107259 (cited by 3billion).

NM_001326342.2(CELF2):c.1538G>A (p.Arg513His)

Genes: CELF2 (CUGBP Elav-like family member 2; plus strand), CELF2-AS1 (CELF2 antisense RNA 1; minus strand). Cytogenetic location: 10p14.
Variant type: single nucleotide variant.
Coding change: c.1538G>A on transcript NM_001326342.2 (MANE Select); coding-DNA position 1538, G replaced by A.
Protein change: p.Arg513His; replaces arginine 513 with histidine.
Molecular consequence: missense variant.
Genome position (GRCh38, 1-based): chr10:11,329,025, G>A. VCF-style: chr10-11329025-G-A. GRCh37 (hg19) VCF-style: chr10-11370988-G-A.
Other names: c.1445G>A, p.Arg482His (NM_001326320.2, NM_001326324.2, NM_001326328.2 and 6 more transcripts); c.1469G>A, p.Arg490His (NM_001326321.2); c.1487G>A, p.Arg496His (NM_001326323.2); c.1592G>A, p.Arg531His (NM_001326325.2, NM_001326343.2); c.1535G>A, p.Arg512His (NM_001326326.2); c.1553G>A, p.Arg518His (NM_001326327.2); c.1427G>A, p.Arg476His (NM_001326329.2, NM_001326344.2, NM_001326348.2 and 2 more transcripts); c.1574G>A, p.Arg525His (NM_001326340.2); and 14 more; short protein forms R272H, R278H, R389H, R395H, R444H, R476H, R480H, R482H.
Identifiers: ClinVar variation 4539930 (VCV004539930.3).